The following is an entry in ClinVar:

NM_001378183.1(PIEZO2):c.3934G>C (p.Asp1312His)

Gene: PIEZO2 (piezo type mechanosensitive ion channel component 2; minus strand). Cytogenetic location: 18p11.22.
Variant type: single nucleotide variant.
Coding change: c.3934G>C on transcript NM_001378183.1 (MANE Select); coding-DNA position 3934, G replaced by C.
Protein change: p.Asp1312His; replaces aspartic acid 1312 with histidine.
Molecular consequence: missense variant.
Genome position (GRCh38, 1-based): chr18:10,752,869, C>G on the plus strand (G>C on the coding strand, the complement: PIEZO2 is on the minus strand). VCF-style: chr18-10752869-C-G. GRCh37 (hg19) VCF-style: chr18-10752867-C-G.
Other names: c.3934G>C, p.Asp1312His (NM_001410871.1); c.3859G>C, p.Asp1287His (NM_022068.4); short protein forms D1287H, D1312H.
Identifiers: ClinVar variation 4852716 (VCV004852716.2).
Genomic context (GRCh38, chr18:10,752,869, plus strand): 5'-TGAAGATGATGGTGAGCACAAACCAGAAGAGGTAGCTGAAGATGATCACTTTGGACATGT[C>G]TAAGTAAGATCTGGAAAACAAAGCCAGTGACAAAAAGACAACAACAACAAAACAAACAAA-3'
Protein context (NP_001365112.1, residues 1302-1322): PDFIHCRSYL[Asp1312His]MSKVIIFSYL

ClinVar aggregate classification (germline): Uncertain significance (1 of 4 stars; one submission).

Submission:

Dasa
Classification: Uncertain significance. Last evaluated: 2026-03-05. Review status: criteria provided, single submitter. Criteria: DASA Assertion Criteria. Collection method: clinical testing. Allele origin: germline.
Comment: NM_001378183.1(PIEZO2):c.3934G>C (p.Asp1312His) is a missense variant that results in the substitution of aspartic acid with histidine. This variant is rare in population databases. The currently available literature and clinical evidence are not sufficient to establish a definitive association between this variant and the reported condition. Therefore, this variant is classified as a variant of uncertain significance.